The following is an entry in ClinVar:

ClinVar aggregate classification (germline): Likely benign (0 of 4 stars; one submission).

Conditions:
MYOF-related disorder. Also called: MYOF-related condition.

Allele frequency attached by ClinVar (database versions not stated): gnomAD exomes 0.00018; ExAC 0.00057; ESP Exome Variant Server 0.00142; gnomAD 0.00160; TOPMed 0.00186; 1000 Genomes Project 0.00260; 1000 Genomes Project 30x 0.00312.
gnomAD v4.1: 518 of 1,614,168 alleles (0.032%); highest among the groups gnomAD compares: African/African-American, 0.62%; 1 homozygote.

Submission:

PreventionGenetics, part of Exact Sciences
Classification: Likely benign for MYOF-related condition. Last evaluated: 2019-06-04. Review status: no assertion criteria provided. Collection method: clinical testing. Allele origin: germline.
Comment: This variant is classified as likely benign based on ACMG/AMP sequence variant interpretation guidelines (Richards et al. 2015 PMID: 25741868, with internal and published modifications).

NM_013451.4(MYOF):c.3697T>A (p.Ser1233Thr)

Gene: MYOF (myoferlin; minus strand). Cytogenetic location: 10q23.33.
Variant type: single nucleotide variant.
Coding change: c.3697T>A on transcript NM_013451.4 (MANE Select); coding-DNA position 3697, T replaced by A.
Protein change: p.Ser1233Thr; replaces serine 1233 with threonine.
Molecular consequence: missense variant.
Genome position (GRCh38, 1-based): chr10:93,351,538, A>T on the plus strand (T>A on the coding strand, the complement: MYOF is on the minus strand). VCF-style: chr10-93351538-A-T. GRCh37 (hg19) VCF-style: chr10-95111295-A-T.
Other names: c.3658T>A, p.Ser1220Thr (NM_133337.3); short protein forms S1220T, S1233T.
Identifiers: ClinVar variation 3043909 (VCV003043909.2), dbSNP rs34777013, ClinGen allele CA5607402.